The following is an entry in ClinVar:

ClinVar aggregate classification (germline): Uncertain significance (1 of 4 stars; one submission).

Conditions:
Neurodevelopmental disorder with or without hyperkinetic movements and seizures, autosomal dominant. Also called: Intellectual disability, autosomal dominant 8. Identifiers: MedGen C3280282, MONDO:0013655, OMIM 614254.

Submission:

Labcorp Genetics (formerly Invitae), Labcorp
Classification: Uncertain significance for Neurodevelopmental disorder with or without hyperkinetic movements and seizures, autosomal dominant. Last evaluated: 2023-07-07. Review status: criteria provided, single submitter. Criteria: Invitae Variant Classification Sherloc (09022015). Collection method: clinical testing. Allele origin: germline.
Comment: In summary, the available evidence is currently insufficient to determine the role of this variant in disease. Therefore, it has been classified as a Variant of Uncertain Significance. This sequence change replaces glutamic acid, which is acidic and polar, with lysine, which is basic and polar, at codon 186 of the GRIN1 protein (p.Glu186Lys). This variant is not present in population databases (gnomAD no frequency). This variant has not been reported in the literature in individuals affected with GRIN1-related conditions. Advanced modeling of protein sequence and biophysical properties (such as structural, functional, and spatial information, amino acid conservation, physicochemical variation, residue mobility, and thermodynamic stability) has been performed at Invitae for this missense variant, however the output from this modeling did not meet the statistical confidence thresholds required to predict the impact of this variant on GRIN1 protein function. Algorithms developed to predict the effect of sequence changes on RNA splicing suggest that this variant may create or strengthen a splice site.

NM_007327.4(GRIN1):c.556G>A (p.Glu186Lys)

Gene: GRIN1 (glutamate ionotropic receptor NMDA type subunit 1; plus strand). Cytogenetic location: 9q34.3.
Variant type: single nucleotide variant.
Coding change: c.556G>A on transcript NM_007327.4 (MANE Select); coding-DNA position 556, G replaced by A.
Protein change: p.Glu186Lys; replaces glutamic acid 186 with lysine.
Molecular consequence: missense variant.
Genome position (GRCh38, 1-based): chr9:137,145,888, G>A. VCF-style: chr9-137145888-G-A. GRCh37 (hg19) VCF-style: chr9-140040340-G-A.
Other names: c.556G>A, p.Glu186Lys (NM_000832.7, NM_001185090.2, NM_001185091.2 and 1 more transcripts); short protein forms E186K.
Identifiers: ClinVar variation 2737350 (VCV002737350.3), dbSNP rs2538533797, ClinGen allele CA375714176.